The following is an entry in ClinVar:

ClinVar aggregate classification (germline): Benign (0 of 4 stars; one submission).

Conditions:
SLC5A9-related disorder. Also called: SLC5A9-related condition.

Allele frequency attached by ClinVar (database versions not stated): 1000 Genomes Project 0.03275; 1000 Genomes Project 30x 0.03373; ExAC 0.06503; ESP Exome Variant Server 0.06751; gnomAD exomes 0.07991.
gnomAD v4.1: 125,711 of 1,612,320 alleles (7.8%); highest among the groups gnomAD compares: Non-Finnish European, 9%; 5,581 homozygotes.

Submission:

PreventionGenetics, part of Exact Sciences
Classification: Benign for SLC5A9-related condition. Last evaluated: 2019-12-09. Review status: no assertion criteria provided. Collection method: clinical testing. Allele origin: germline.
Comment: This variant is classified as benign based on ACMG/AMP sequence variant interpretation guidelines (Richards et al. 2015 PMID: 25741868, with internal and published modifications).

NM_001011547.3(SLC5A9):c.1799C>T (p.Ala600Val)

Gene: SLC5A9 (solute carrier family 5 member 9; plus strand). Cytogenetic location: 1p33.
Variant type: single nucleotide variant.
Coding change: c.1799C>T on transcript NM_001011547.3 (MANE Select); coding-DNA position 1799, C replaced by T.
Protein change: p.Ala600Val; replaces alanine 600 with valine.
Molecular consequence: missense variant.
Genome position (GRCh38, 1-based): chr1:48,242,578, C>T. VCF-style: chr1-48242578-C-T. GRCh37 (hg19) VCF-style: chr1-48708250-C-T.
Other names: c.1874C>T, p.Ala625Val (NM_001135181.2); short protein forms A600V, A625V.
Identifiers: ClinVar variation 3060237 (VCV003060237.2), dbSNP rs78427303, ClinGen allele CA844020.
Genomic context (GRCh38, chr1:48,242,578, plus strand): 5'-ACGAGAGCACACCGGAGATATCCGAGAGGCCAGCCGGGGAGTGCCCTGCAGGAGGTGGAG[C>T]GGCAGAGAACTCGAGCCTGGGCCAGGAGCAGCCTGAAGGTAGGCTGCGGCAGGCCGGGGG-3'
Protein context (NP_001011547.2, residues 590-610): PAGECPAGGG[Ala600Val]AENSSLGQEQ